The following is an entry in ClinVar:

NM_002032.3(FTH1):c.*222C>T

Genes: BEST1 (bestrophin 1; plus strand), FTH1 (ferritin heavy chain 1; minus strand). Cytogenetic location: 11q12.3.
Variant type: single nucleotide variant.
Coding change: c.*222C>T on transcript NM_002032.3 (MANE Select); 222 bases downstream of the stop codon, C replaced by T.
Molecular consequence: 3 prime UTR variant.
Genome position (GRCh38, 1-based): chr11:61,964,505, G>A on the plus strand (C>T on the coding strand, the complement: FTH1 is on the minus strand). VCF-style: chr11-61964505-G-A. GRCh37 (hg19) VCF-style: chr11-61731977-G-A.
Identifiers: ClinVar variation 305139 (VCV000305139.12), dbSNP rs17156609, ClinGen allele CA10635127.

ClinVar aggregate classification (germline): Benign. Review status: criteria provided, multiple submitters, no conflicts (2 of 4 stars). 3 submissions from 3 submitters: Benign (3). Last evaluated 2021-05-10.

Conditions:
Hemochromatosis type 5. Also called: Iron overload, autosomal dominant. Identifiers: Orphanet 247790, MedGen C1851316, MONDO:0014225, OMIM 615517.

Allele frequency attached by ClinVar (database versions not stated): gnomAD 0.03454 and 0.04745; 1000 Genomes Project 30x 0.13819; 1000 Genomes Project 0.14317; gnomAD exomes 0.07772; TOPMed 0.04178.
gnomAD v4.1: 44,517 of 635,558 alleles (7%); highest among the groups gnomAD compares: South Asian, 33%; 4,417 homozygotes.

Submissions (3):

GeneDx
Classification: Benign. Last evaluated: 2021-05-10. Review status: criteria provided, single submitter. Criteria: GeneDx Variant Classification Process June 2021. Collection method: clinical testing. Allele origin: germline. Affected: yes.

Illumina Laboratory Services, Illumina
Classification: Benign for Hemochromatosis type 5. Last evaluated: 2018-01-13. Review status: criteria provided, single submitter. Criteria: ICSL Variant Classification Criteria 13 December 2019. Collection method: clinical testing. Allele origin: germline.
Comment: This variant was observed in the ICSL laboratory as part of a predisposition screen in an ostensibly healthy population. It had not been previously curated by ICSL or reported in the Human Gene Mutation Database (HGMD: prior to June 1st, 2018), and was therefore a candidate for classification through an automated scoring system. Utilizing variant allele frequency, disease prevalence and penetrance estimates, and inheritance mode, an automated score was calculated to assess if this variant is too frequent to cause the disease. Based on the score and internal cut-off values, a variant classified as benign is not then subjected to further curation. The score for this variant resulted in a classification of benign for this disease.

Breakthrough Genomics
Classification: Benign. Review status: criteria provided, single submitter. Criteria: ACMG Guidelines, 2015. Collection method: not provided. Allele origin: germline. Inheritance: Autosomal dominant inheritance. Affected: yes.